The following is an entry in ClinVar:

ClinVar aggregate classification (germline): Likely benign. Review status: criteria provided, single submitter (1 of 4 stars). 2 submissions from 2 submitters: Likely benign (1). 1 of the submissions does not count toward it. Last evaluated 2025-11-10.

Conditions:
UROS-related disorder. Also called: UROS-related condition.

Allele frequency attached by ClinVar (database versions not stated): gnomAD 0.00054 and 0.00056; TOPMed 0.00059; gnomAD exomes 0.00014; 1000 Genomes Project 30x 0.00016; ExAC 0.00023; 1000 Genomes Project 0.00040; ESP Exome Variant Server 0.00054.
gnomAD v4.1: 145 of 1,607,812 alleles (0.009%); highest among the groups gnomAD compares: African/African-American, 0.17%; no homozygotes.

Submissions (2):

Labcorp Genetics (formerly Invitae), Labcorp
Classification: Likely benign. Last evaluated: 2025-11-10. Review status: criteria provided, single submitter. Criteria: Invitae Variant Classification Sherloc (09022015). Collection method: clinical testing. Allele origin: germline.

PreventionGenetics, part of Exact Sciences
Classification: Likely benign for UROS-related condition. Last evaluated: 2023-03-04. Review status: no assertion criteria provided. Collection method: clinical testing. Allele origin: germline. Not counted in ClinVar's aggregate classification.
Comment: This variant is classified as likely benign based on ACMG/AMP sequence variant interpretation guidelines (Richards et al. 2015 PMID: 25741868, with internal and published modifications).

NM_000375.3(UROS):c.751C>G (p.Leu251Val)

Gene: UROS (uroporphyrinogen III synthase; minus strand). Cytogenetic location: 10q26.2.
Variant type: single nucleotide variant.
Coding change: c.751C>G on transcript NM_000375.3 (MANE Select); coding-DNA position 751, C replaced by G.
Protein change: p.Leu251Val; replaces leucine 251 with valine.
Molecular consequence: missense variant. On other transcripts: non-coding transcript variant (3).
Genome position (GRCh38, 1-based): chr10:125,788,915, G>C on the plus strand (C>G on the coding strand, the complement: UROS is on the minus strand). VCF-style: chr10-125788915-G-C. GRCh37 (hg19) VCF-style: chr10-127477484-G-C.
Other names: c.832C>G, p.Leu278Val (NM_001324036.2); c.751C>G, p.Leu251Val (NM_001324037.2); c.670C>G, p.Leu224Val (NM_001324038.2); short protein forms L251V, L224V, L278V.
Identifiers: ClinVar variation 747073 (VCV000747073.11), dbSNP rs142834767, ClinGen allele CA5738311.